The following is an entry in ClinVar:

NM_138576.4(BCL11B):c.1679C>T (p.Ser560Leu)

Gene: BCL11B (BCL11 transcription factor B; minus strand). Cytogenetic location: 14q32.2.
Variant type: single nucleotide variant.
Coding change: c.1679C>T on transcript NM_138576.4 (MANE Select); coding-DNA position 1679, C replaced by T.
Protein change: p.Ser560Leu; replaces serine 560 with leucine.
Molecular consequence: missense variant.
Genome position (GRCh38, 1-based): chr14:99,175,157, G>A on the plus strand (C>T on the coding strand, the complement: BCL11B is on the minus strand). VCF-style: chr14-99175157-G-A. GRCh37 (hg19) VCF-style: chr14-99641494-G-A.
Other names: c.1676C>T, p.Ser559Leu (NM_001282237.2); c.1463C>T, p.Ser488Leu (NM_001282238.2); c.1466C>T, p.Ser489Leu (NM_022898.3); short protein forms S488L, S489L, S559L, S560L.
Identifiers: ClinVar variation 1328527 (VCV001328527.12), dbSNP rs1200651928, ClinGen allele CA390934829.

ClinVar aggregate classification (germline): Conflicting classifications of pathogenicity. Review status: criteria provided, conflicting classifications (1 of 4 stars). 3 submissions from 3 submitters: Uncertain significance (2); Likely benign (1). Last evaluated 2025-03-04.

Conditions:
Intellectual developmental disorder with speech delay, dysmorphic facies, and t-cell abnormalities. Also called: BCL11B-related BAFopathy. Identifiers: Orphanet 662829, MedGen C4748152, MONDO:0060763, OMIM 618092.

Allele frequency attached by ClinVar (database versions not stated): TOPMed below 0.00001; gnomAD 0.00001.
gnomAD v4.1: 3 of 1,593,498 alleles (0.00019%); highest among the groups gnomAD compares: South Asian, 0.0011%; no homozygotes.

Submissions (3):

Labcorp Genetics (formerly Invitae), Labcorp
Classification: Likely benign. Last evaluated: 2025-03-04. Review status: criteria provided, single submitter. Criteria: Invitae Variant Classification Sherloc (09022015). Collection method: clinical testing. Allele origin: germline.

Illumina Laboratory Services, Illumina
Classification: Uncertain significance for Intellectual developmental disorder with speech delay, dysmorphic facies, and t-cell abnormalities. Last evaluated: 2021-04-07. Review status: criteria provided, single submitter. Criteria: ICSLVariantClassificationCriteria RUGD 01 April 2020. Collection method: clinical testing. Allele origin: unknown.
Comment: The BCL11B c.1679C>T (p.Ser560Leu) variant is a missense variant. A literature search was performed for the gene, cDNA change, and amino acid change. No publications were found based on this search. This variant is reported at a frequency of 0.000066 in the Genome Aggregation Database (version 2.1.1) but this is based on one allele in a region of good sequence coverage, so the variant is presumed to be rare. Based on the limited evidence, the p.Ser560Leu variant is classified as a variant of uncertain significance for intellectual developmental disorder with dysmorphic features, speech delay, and T-cell abnormalities.

Blueprint Genetics
Classification: Uncertain significance. Last evaluated: 2020-01-15. Review status: criteria provided, single submitter. Criteria: ACMG Guidelines, 2015. Collection method: clinical testing. Allele origin: germline.